The following is an entry in ClinVar:

ClinVar aggregate classification (germline): Uncertain significance (1 of 4 stars; one submission).

Conditions:
Hereditary cancer-predisposing syndrome. Also called: Neoplastic Syndromes, Hereditary; Tumor predisposition; Hereditary neoplastic syndrome; Hereditary Cancer Syndrome. Identifiers: Orphanet 140162, MedGen C0027672, MeSH D009386, MONDO:0015356.

Submission:

Ambry Genetics
Classification: Uncertain significance for Hereditary cancer-predisposing syndrome. Last evaluated: 2024-05-09. Review status: criteria provided, single submitter. Criteria: Ambry Variant Classification Scheme 2023. Collection method: clinical testing. Allele origin: germline.
Comment: The p.R1688W variant (also known as c.5062A>T), located in coding exon 38 of the TSC2 gene, results from an A to T substitution at nucleotide position 5062. The arginine at codon 1688 is replaced by tryptophan, an amino acid with dissimilar properties. This amino acid position is conserved. In addition, this alteration is predicted to be deleterious by in silico analysis. Based on the available evidence, the clinical significance of this variant remains unclear.

NM_000548.5(TSC2):c.5062A>T (p.Arg1688Trp)

Gene: TSC2 (TSC complex subunit 2; plus strand). Cytogenetic location: 16p13.3.
Variant type: single nucleotide variant.
Coding change: c.5062A>T on transcript NM_000548.5 (MANE Select); coding-DNA position 5062, A replaced by T.
Protein change: p.Arg1688Trp; replaces arginine 1688 with tryptophan.
Molecular consequence: missense variant. On other transcripts: non-coding transcript variant (5).
Genome position (GRCh38, 1-based): chr16:2,087,935, A>T. VCF-style: chr16-2087935-A-T. GRCh37 (hg19) VCF-style: chr16-2137936-A-T.
Other names: c.4861A>T, p.Arg1621Trp (NM_001077183.3); c.4993A>T, p.Arg1665Trp (NM_001114382.3); c.4753A>T, p.Arg1585Trp (NM_001318827.2); c.4714A>T, p.Arg1572Trp (NM_001406679.1); c.4462A>T, p.Arg1488Trp (NM_001406680.1); c.4402A>T, p.Arg1468Trp (NM_001406681.1); c.4393A>T, p.Arg1465Trp (NM_001406682.1, NM_001406683.1); c.4390A>T, p.Arg1464Trp (NM_001406684.1); and 26 more; short protein forms R1087W, R1421W, R1444W, R1465W, R1616W, R1618W, R1632W, R1644W.
Identifiers: ClinVar variation 3329512 (VCV003329512.1).